The following is an entry in ClinVar:

NM_001385641.1(SAMD11):c.1475-18T>A

Gene: SAMD11 (sterile alpha motif domain containing 11; plus strand). Cytogenetic location: 1p36.33.
Variant type: single nucleotide variant.
Coding change: c.1475-18T>A on transcript NM_001385641.1 (MANE Select); 18 bases into the intron before coding-DNA position 1475, T replaced by A.
Molecular consequence: intron variant.
Genome position (GRCh38, 1-based): chr1:942,392, T>A. VCF-style: chr1-942392-T-A. GRCh37 (hg19) VCF-style: chr1-877772-T-A.
Other names: c.1478-18T>A (NM_001385640.1); c.986-18T>A (NM_152486.4).
Identifiers: ClinVar variation 1937868 (VCV001937868.2), dbSNP rs1407483572, ClinGen allele CA520630405.

ClinVar aggregate classification (germline): Uncertain significance (1 of 4 stars; one submission).

Allele frequency attached by ClinVar (database versions not stated): gnomAD 0.00002; TOPMed 0.00002.
gnomAD v4.1: 21 of 1,407,484 alleles (0.0015%); highest among the groups gnomAD compares: Non-Finnish European, 0.0019%; no homozygotes.

Submission:

Labcorp Genetics (formerly Invitae), Labcorp
Classification: Uncertain significance. Last evaluated: 2022-09-25. Review status: criteria provided, single submitter. Criteria: Invitae Variant Classification Sherloc (09022015). Collection method: clinical testing. Allele origin: germline.
Comment: This sequence change falls in intron 9 of the SAMD11 gene. It does not directly change the encoded amino acid sequence of the SAMD11 protein. This variant is present in population databases (no rsID available, gnomAD 0.004%). This variant has not been reported in the literature in individuals affected with SAMD11-related conditions. Algorithms developed to predict the effect of sequence changes on RNA splicing suggest that this variant may disrupt the consensus splice site. In summary, the available evidence is currently insufficient to determine the role of this variant in disease. Therefore, it has been classified as a Variant of Uncertain Significance.